The following is an entry in ClinVar:

ClinVar aggregate classification (germline): Uncertain significance. Review status: criteria provided, multiple submitters, no conflicts (2 of 4 stars). 2 submissions from 2 submitters: Uncertain significance (2). Last evaluated 2025-11-27.

Conditions:
Inborn genetic diseases. Identifiers: MedGen C0950123, MeSH D030342.

Allele frequency attached by ClinVar (database versions not stated): TOPMed below 0.00001; gnomAD 0.00005; ExAC 0.00017.
gnomAD v4.1: 54 of 1,613,914 alleles (0.0033%); highest among the groups gnomAD compares: Non-Finnish European, 0.0024%; no homozygotes.

Submissions (2):

Ambry Genetics
Classification: Uncertain significance for Inborn genetic diseases. Last evaluated: 2025-11-27. Review status: criteria provided, single submitter. Criteria: Ambry Variant Classification Scheme 2023. Collection method: clinical testing. Allele origin: germline.

Labcorp Genetics (formerly Invitae), Labcorp
Classification: Uncertain significance. Last evaluated: 2023-10-04. Review status: criteria provided, single submitter. Criteria: Invitae Variant Classification Sherloc (09022015). Collection method: clinical testing. Allele origin: germline.
Comment: This sequence change replaces asparagine, which is neutral and polar, with lysine, which is basic and polar, at codon 1610 of the NALCN protein (p.Asn1610Lys). This variant is present in population databases (rs199584378, gnomAD 0.04%). This variant has not been reported in the literature in individuals affected with NALCN-related conditions. Advanced modeling of protein sequence and biophysical properties (such as structural, functional, and spatial information, amino acid conservation, physicochemical variation, residue mobility, and thermodynamic stability) performed at Invitae indicates that this missense variant is not expected to disrupt NALCN protein function. In summary, the available evidence is currently insufficient to determine the role of this variant in disease. Therefore, it has been classified as a Variant of Uncertain Significance.

NM_052867.4(NALCN):c.4830C>A (p.Asn1610Lys)

Gene: NALCN (sodium leak channel, non-selective; minus strand). Cytogenetic location: 13q32.3.
Variant type: single nucleotide variant.
Coding change: c.4830C>A on transcript NM_052867.4 (MANE Select); coding-DNA position 4830, C replaced by A.
Protein change: p.Asn1610Lys; replaces asparagine 1610 with lysine.
Molecular consequence: missense variant.
Genome position (GRCh38, 1-based): chr13:101,059,893, G>T on the plus strand (C>A on the coding strand, the complement: NALCN is on the minus strand). VCF-style: chr13-101059893-G-T. GRCh37 (hg19) VCF-style: chr13-101712245-G-T.
Other names: c.4917C>A, p.Asn1639Lys (NM_001350748.2); c.4830C>A, p.Asn1610Lys (NM_001350749.2); c.4743C>A, p.Asn1581Lys (NM_001350750.2, NM_001350751.2); c.4830C>A (NM_052867.2); short protein forms N1639K, N1581K, N1610K.
Identifiers: ClinVar variation 3002841 (VCV003002841.4), dbSNP rs199584378, ClinGen allele CA7035013.